The following is an entry in ClinVar:

NM_001257291.2(SLC9A7):c.2051C>T (p.Thr684Met)

Gene: SLC9A7 (solute carrier family 9 member A7; minus strand). Cytogenetic location: Xp11.3.
Variant type: single nucleotide variant.
Coding change: c.2051C>T on transcript NM_001257291.2 (MANE Select); coding-DNA position 2051, C replaced by T.
Protein change: p.Thr684Met; replaces threonine 684 with methionine.
Molecular consequence: missense variant.
Genome position (GRCh38, 1-based): chrX:46,607,082, G>A on the plus strand (C>T on the coding strand, the complement: SLC9A7 is on the minus strand). VCF-style: chrX-46607082-G-A. GRCh37 (hg19) VCF-style: chrX-46466517-G-A.
Other names: c.2048C>T, p.Thr683Met (NM_032591.3); short protein forms T684M, T683M.
Identifiers: ClinVar variation 1508328 (VCV001508328.3), dbSNP rs146808441, ClinGen allele CA10393713.
Genomic context (GRCh38, chrX:46,607,082, plus strand): 5'-AGGTCTCGCTCCAGCACTTCCTCCGAGCTGCTCTTCGTTCTCCGGCTGCCCTCCAGACTC[G>A]TGGAGGCGGTGTGCGAACTTGAGGAGCCATTTGCAGTCACTGTGCTGTCCCCGTAGGTCA-3'
Protein context (NP_001244220.1, residues 674-694): NGSSSSHTAS[Thr684Met]SLEGSRRTKS

ClinVar aggregate classification (germline): Uncertain significance (1 of 4 stars; one submission).

Allele frequency attached by ClinVar (database versions not stated): ExAC 0.00002; TOPMed 0.00003; gnomAD exomes 0.00004 and 0.00006; gnomAD 0.00005 and 0.00006; ESP Exome Variant Server 0.00019.
gnomAD v4.1: 75 of 1,209,496 alleles (0.0062%); highest among the groups gnomAD compares: Non-Finnish European, 0.0076%; no homozygotes.

Submission:

Labcorp Genetics (formerly Invitae), Labcorp
Classification: Uncertain significance. Last evaluated: 2022-08-09. Review status: criteria provided, single submitter. Criteria: Invitae Variant Classification Sherloc (09022015). Collection method: clinical testing. Allele origin: germline.
Comment: This sequence change replaces threonine, which is neutral and polar, with methionine, which is neutral and non-polar, at codon 684 of the SLC9A7 protein (p.Thr684Met). This variant is present in population databases (rs146808441, gnomAD 0.009%). This variant has not been reported in the literature in individuals affected with SLC9A7-related conditions. ClinVar contains an entry for this variant (Variation ID: 1508328). Algorithms developed to predict the effect of missense changes on protein structure and function output the following: SIFT: "Deleterious"; PolyPhen-2: "Not Available"; Align-GVGD: "Class C0". The methionine amino acid residue is found in multiple mammalian species, which suggests that this missense change does not adversely affect protein function. In summary, the available evidence is currently insufficient to determine the role of this variant in disease. Therefore, it has been classified as a Variant of Uncertain Significance.